The following is an entry in ClinVar:

ClinVar aggregate classification (germline): Uncertain significance (1 of 4 stars; one submission).

Submission:

Labcorp Genetics (formerly Invitae), Labcorp
Classification: Uncertain significance. Last evaluated: 2025-07-29. Review status: criteria provided, single submitter. Criteria: Invitae Variant Classification Sherloc (09022015). Collection method: clinical testing. Allele origin: germline.
Comment: This sequence change replaces aspartic acid, which is acidic and polar, with valine, which is neutral and non-polar, at codon 292 of the MBD4 protein (p.Asp292Val). This variant is not present in population databases (gnomAD no frequency). This variant has not been reported in the literature in individuals affected with MBD4-related conditions. An algorithm developed to predict the effect of missense changes on protein structure and function (PolyPhen-2) suggests that this variant is likely to be disruptive. In summary, the available evidence is currently insufficient to determine the role of this variant in disease. Therefore, it has been classified as a Variant of Uncertain Significance.

NM_001276270.2(MBD4):c.875A>T (p.Asp292Val)

Gene: MBD4 (methyl-CpG binding domain 4, DNA glycosylase; minus strand). Cytogenetic location: 3q21.3.
Variant type: single nucleotide variant.
Coding change: c.875A>T on transcript NM_001276270.2 (MANE Select); coding-DNA position 875, A replaced by T.
Protein change: p.Asp292Val; replaces aspartic acid 292 with valine.
Molecular consequence: missense variant. On other transcripts: intron variant (1).
Genome position (GRCh38, 1-based): chr3:129,436,769, T>A on the plus strand (A>T on the coding strand, the complement: MBD4 is on the minus strand). VCF-style: chr3-129436769-T-A. GRCh37 (hg19) VCF-style: chr3-129155612-T-A.
Other names: c.875A>T, p.Asp292Val (NM_001276271.2, NM_001276272.2, NM_003925.3); c.247+1039A>T (NM_001276273.2); short protein forms D292V.
Identifiers: ClinVar variation 4724202 (VCV004724202.1).
Genomic context (GRCh38, chr3:129,436,769, plus strand): 5'-TTTTTTACAAGGCTGTTTTCTTCACTGGTCACACTGAGGGTCTCACCACATGCTCCAGCA[T>A]CAGAAATGCAGACAGTTCTATCAAGCTGACTTTTTTGTGCAACAGGTTCACTTTCAGCAT-3'
Protein context (NP_001263199.1, residues 282-302): SQLDRTVCIS[Asp292Val]AGACGETLSV